The following continues an entry in ClinVar:

NM_000492.4(CFTR):c.958T>G (p.Leu320Val)

Gene: CFTR. ClinVar aggregate classification (germline): Conflicting classifications of pathogenicity. Uncertain significance (15); Benign (1); Likely benign (1).

Submissions 7 to 18 of 18:

ARUP Laboratories, Molecular Genetics and Genomics, ARUP Laboratories
Classification: Uncertain significance. Last evaluated: 2025-05-09. Review status: criteria provided, single submitter. Criteria: ARUP Molecular Germline Variant Investigation Process 2024. Collection method: clinical testing. Allele origin: germline.
Comment: The CFTR c.958T>G; p.Leu320Val variant (rs144476686) is historically considered to be mildly pathogenic due to its prevalence in individuals affected with congenital bilateral absence of vas deferens, pancreatitis, and other CFTR-related disorders (Sick Kids CFTR database, Dorfman 2010, Keiles 2006, Lucarelli 2010, Masson 2013, Pelletier 2010, Salinas 2016, Shrijver 2005, Schwartz 2009). However, this variant is reported as a variant of uncertain significance by multiple laboratories in ClinVar (Variation ID: 35894), and is found in the general population with an overall allele frequency of 0.058% (163/282684 alleles, including 2 homozygotes) in the Genome Aggregation Database (v2.1.1). In vitro functional analyses, using Fisher rat thyroid cells, demonstrate chloride channel conductance activity similar to wildtype (Bihler 2024). Computational analyses are uncertain whether this variant is neutral or deleterious (REVEL: 0.545). Current evidence indicates that this variant, when present with a pathogenic CFTR variant on the opposite chromosome, is not associated with classic cystic fibrosis. However, it remains uncertain whether it may contribute to the clinical phenotype in individuals with milder CFTR-related disease (e.g., an isolated presentation of pancreatitis, congenital bilateral absence of the vas deferens, or mild lung disease). References: Sick Kids CFTR database link to L320V: Bihler H et al. In vitro modulator responsiveness of 655 CFTR variants found in people with cystic fibrosis. J Cyst Fibros. 2024 Jul;23(4):664-675. PMID: 38388235. Dorfman R et al. Do common in silico tools predict the clinical consequences of amino-acid substitutions in the CFTR gene? Clin Genet. 2010 77(5):464-73. PMID: 20059485. Keiles S and Kammesheidt A. Identification of CFTR, PRSS1, and SPINK1 mutations in 381 patients with pancreatitis. Pancreas. 2006 Oct;33(3):221-7. PMID: 17003641. Lucarelli M et al. A new complex allele of the CFTR gene partially explains the variable phenotype of the L997F mutation. Genet Med. 2010 12(9):548-55. PMID: 20706124. Masson E et al. A conservative assessment of the major genetic causes of idiopathic chronic pancreatitis: data from a comprehensive analysis of PRSS1, SPINK1, CTRC and CFTR genes in 253 young French patients. PLoS One. 2013 8(8):e73522. PMID: 23951356. Pelletier A et al. CFTR gene mutation in patients with apparently idiopathic pancreatitis: lack of phenotype-genotype correlation. Pancreatology. 2010 10(2-3):158-64. PMID: 20460946. Salinas DB et al. Benign and Deleterious Cystic Fibrosis Transmembrane Conductance Regulator Mutations Identified by Sequencing in Positive Cystic Fibrosis Newborn Screen Children from California. PLoS One. 2016 May 23;11(5):e0155624. PMID: 27214204. Schrijver I et al. Diagnostic testing by CFTR gene mutation analysis in a large group of Hispanics: novel mutations and assessment of a population-specific mutation spectrum. J Mol Diagn. 2005 7(2):289-99. PMID: 15858154. Schwartz KM et al. Identification of cystic fibrosis variants by polymerase chain reaction/oligonucleotide ligation assay. J Mol Diagn. 2009 May;11(3):211-5. PMID: 19324992.

Quest Diagnostics Nichols Institute San Juan Capistrano
Classification: Uncertain significance. Last evaluated: 2025-02-21. Review status: criteria provided, single submitter. Criteria: Quest Diagnostics criteria. Collection method: clinical testing. Allele origin: unknown.
Comment: The CFTR c.958T>G (p.Leu320Val) variant has been reported in the published literature in individuals diagnosed with cystic fibrosis (CF) (PMID: 30134826 (2018), 15858154 (2005)) and atypical CF (PMID: 28546993 (2017)). The variant has also been reported in individuals with pancreatitis (PMID: 30134826 (2018), 20460946 (2010), 18687795 (2008), 17003641 (2006)), rhinosinusitis (PMID: 30134826 (2018)), and in an individual with Bohring-Opitz Syndrome (PMID: 26364555 (2015)). In a newborn screening study, the variant was identified as a non-causative variant for CF, but it could not rule out other CF-related disorders (PMID: 27214204 (2016)). The frequency of this variant in the general population (Genome Aggregation Database) is uninformative in the assessment of its pathogenicity. Analysis of this variant using bioinformatics tools for the prediction of the effect of amino acid changes on protein structure and function yielded predictions that this variant is benign. Based on the available information, we are unable to determine the clinical significance of this variant.

Blueprint Genetics
Classification: Likely benign. Last evaluated: 2024-11-22. Review status: criteria provided, single submitter. Criteria: ACMG Guidelines, 2015. Collection method: clinical testing. Allele origin: germline.

Revvity Omics, Revvity
Classification: Uncertain significance. Last evaluated: 2024-10-07. Review status: criteria provided, single submitter. Criteria: ACMG Guidelines, 2015. Collection method: clinical testing. Allele origin: germline.

Fulgent Genetics
Classification: Uncertain significance for Hereditary pancreatitis; Bronchiectasis with or without elevated sweat chloride 1; Cystic fibrosis; Congenital bilateral aplasia of vas deferens from CFTR mutation. Last evaluated: 2024-01-29. Review status: criteria provided, single submitter. Criteria: ACMG Guidelines, 2015. Collection method: clinical testing. Allele origin: germline.

Baylor Genetics
Classification: Uncertain significance for Bronchiectasis with or without elevated sweat chloride 1. Last evaluated: 2023-06-28. Review status: criteria provided, single submitter. Criteria: ACMG Guidelines, 2015. Collection method: clinical testing. Allele origin: unknown.

Mendelics
Classification: Uncertain significance for Cystic fibrosis. Last evaluated: 2022-05-20. Review status: criteria provided, single submitter. Criteria: Mendelics Assertion Criteria 2017. Collection method: clinical testing. Allele origin: unknown.

Genome-Nilou Lab
Classification: Uncertain significance for Congenital bilateral aplasia of vas deferens from CFTR mutation. Last evaluated: 2021-07-22. Review status: criteria provided, single submitter. Criteria: ACMG Guidelines, 2015. Collection method: clinical testing. Allele origin: germline. Affected: no.

Sema4
Classification: Uncertain significance for Hereditary pancreatitis. Last evaluated: 2021-04-04. Review status: criteria provided, single submitter. Criteria: Sema4 Curation Guidelines. Collection method: curation. Allele origin: germline.
Comment: The CFTR c.958T>G (p.L320V) variant has been reported in several individuals with CFTR-related diseases including chronic pancreatitis. However, in compound heterozygosity with a pathogenic CFTR variant, it is not associated with classic cystic fibrosis (CFTR2 database, PMID: 20460946, 23951356, 17003641, 18687795, 30134826, 26364555, 28546993, 28465863, 20706124). A functional study demonstrated the normal function of the protein (CFTR2 database). It was observed in 68/10364 chromosomes of the Ashkenazi Jewish subpopulation and 71/35418 chromosomes of Latino subpopulation in the large and broad cohorts of the Genome Aggregation Database (PMID: 32461654). The variant has been reported in ClinVar (Variation ID 35894). Based on current evidence, this variant is not causative of classic CF; however, its contribution to the development of a CFTR-related disorder is unknown. Thus, the clinical significance of this variant is currently uncertain.

Eurofins Ntd Llc (ga)
Classification: Uncertain significance. Last evaluated: 2018-06-20. Review status: criteria provided, single submitter. Criteria: EGL ClinVar v180209 classification definitions. Collection method: clinical testing. Allele origin: germline. Observed: 8 variant alleles, 8 heterozygotes.

Illumina Laboratory Services, Illumina
Classification: Uncertain significance for CFTR-Related Disorders. Last evaluated: 2017-04-27. Review status: criteria provided, single submitter. Criteria: ICSL Variant Classification Criteria 13 December 2019. Collection method: clinical testing. Allele origin: germline.
Comment: This variant was observed as part of a predisposition screen in an ostensibly healthy population. A literature search was performed for the gene, cDNA change, and amino acid change (where applicable). Publications were found based on this search. However, the evidence from the literature, in combination with allele frequency data from public databases where available, was not sufficient to rule this variant in or out of causing disease. Therefore, this variant is classified as a variant of unknown significance.

Natera, Inc.
Classification: Likely benign for Cystic Fibrosis. Last evaluated: 2020-06-06. Review status: no assertion criteria provided. Collection method: clinical testing. Allele origin: germline. Not counted in ClinVar's aggregate classification.

Literature cited by the submitters: PubMed 18687795 (cited by 4 submitters); PubMed 15858154 (cited by 5 submitters); PubMed 17003641 (cited by 5 submitters); PubMed 20059485 (cited by 3 submitters); PubMed 20706124 (cited by 6 submitters); PubMed 20460946 (cited by 5 submitters); PubMed 19324992 (cited by Women's Health and Genetics/Laboratory Corporation of America, LabCorp and Illumina Laboratory Services, Illumina); PubMed 23951356 (cited by 4 submitters); PubMed 27214204 (cited by 6 submitters); PubMed 28465863 (cited by 3 submitters); PubMed 28546993 (cited by 5 submitters); PubMed 30134826 (cited by 5 submitters); PubMed 26364555 (cited by 5 submitters); PubMed 31036917 (cited by Women's Health and Genetics/Laboratory Corporation of America, LabCorp); PubMed 32773111 (cited by 3 submitters); PubMed 34583889 (cited by Women's Health and Genetics/Laboratory Corporation of America, LabCorp and Quest Diagnostics Nichols Institute San Juan Capistrano); PubMed 38388235 (cited by Women's Health and Genetics/Laboratory Corporation of America, LabCorp); PubMed 34996830 (cited by Quest Diagnostics Nichols Institute San Juan Capistrano); PubMed 35527187 (cited by Quest Diagnostics Nichols Institute San Juan Capistrano); PubMed 35913788 (cited by Quest Diagnostics Nichols Institute San Juan Capistrano); PubMed 25910067 (cited by Illumina Laboratory Services, Illumina).